The following is an entry in ClinVar:

NM_000202.8(IDS):c.124A>G (p.Ile42Val)

Gene: IDS (iduronate 2-sulfatase; minus strand). Cytogenetic location: Xq28.
Variant type: single nucleotide variant.
Coding change: c.124A>G on transcript NM_000202.8 (MANE Select); coding-DNA position 124, A replaced by G.
Protein change: p.Ile42Val; replaces isoleucine 42 with valine.
Molecular consequence: missense variant. On other transcripts: 5 prime UTR variant (1), non-coding transcript variant (1).
Genome position (GRCh38, 1-based): chrX:149,504,273, T>C on the plus strand (A>G on the coding strand, the complement: IDS is on the minus strand). VCF-style: chrX-149504273-T-C. GRCh37 (hg19) VCF-style: chrX-148585803-T-C.
Other names: c.-103A>G (NM_001166550.4); c.124A>G, p.Ile42Val (NM_006123.5); short protein forms I42V.
Identifiers: ClinVar variation 838572 (VCV000838572.10), dbSNP rs2089505177, ClinGen allele CA414527865.

ClinVar aggregate classification (germline): Uncertain significance (1 of 4 stars; one submission).

Conditions:
Mucopolysaccharidosis, MPS-II (MPS2). Also called: Mucopolysaccharidosis with skin involvement; IDS deficiency; Sulfoiduronate sulfatase deficiency; SIDS deficiency; Hunter Syndrome; IDURONATE 2-SULFATASE DEFICIENCY. Identifiers: Orphanet 580, Orphanet 79388, MedGen C0026705, MONDO:0010674, OMIM 309900.

Submission:

Labcorp Genetics (formerly Invitae), Labcorp
Classification: Uncertain significance for Mucopolysaccharidosis, MPS-II. Last evaluated: 2025-06-02. Review status: criteria provided, single submitter. Criteria: Invitae Variant Classification Sherloc (09022015). Collection method: clinical testing. Allele origin: germline.
Comment: This sequence change replaces isoleucine, which is neutral and non-polar, with valine, which is neutral and non-polar, at codon 42 of the IDS protein (p.Ile42Val). This variant is not present in population databases (gnomAD no frequency). This variant has not been reported in the literature in individuals affected with IDS-related conditions. ClinVar contains an entry for this variant (Variation ID: 838572). Invitae Evidence Modeling of protein sequence and biophysical properties (such as structural, functional, and spatial information, amino acid conservation, physicochemical variation, residue mobility, and thermodynamic stability) indicates that this missense variant is not expected to disrupt IDS protein function with a negative predictive value of 80%. In summary, the available evidence is currently insufficient to determine the role of this variant in disease. Therefore, it has been classified as a Variant of Uncertain Significance.